The following is an entry in ClinVar:

ClinVar aggregate classification (germline): Likely pathogenic (1 of 4 stars; one submission).

Submission:

Dasa
Classification: Likely pathogenic. Last evaluated: 2026-01-19. Review status: criteria provided, single submitter. Criteria: DASA Assertion Criteria. Collection method: clinical testing. Allele origin: germline.
Comment: NM_005506.4(SCARB2):c.431_432del (p.Ile144Argfs*30) is a frameshift variant in SCARB2 predicted to alter the reading frame and introduce a premature termination codon and is predicted to result in an absent or altered protein product. Loss of function is an established disease mechanism for SCARB2-associated disorders. Also, this variant is rare in population databases. Based on the currently available evidence, this variant is classified as likely pathogenic.

NM_005506.4(SCARB2):c.431_432del (p.Ile144fs)

Gene: SCARB2 (scavenger receptor class B member 2; minus strand). Cytogenetic location: 4q21.1.
Variant type: Deletion.
Coding change: c.431_432del on transcript NM_005506.4 (MANE Select); coding-DNA positions 431 to 432, 2 bases deleted (TA; older notation c.431_432delTA).
Protein change: p.Ile144fs; shifts the reading frame from isoleucine 144.
Molecular consequence: frameshift variant. On other transcripts: intron variant (1).
Genome position (GRCh38, 1-based): chr4:76,179,697-76,179,698, TA deleted on the plus strand (TA on the coding strand, the reverse complement: SCARB2 is on the minus strand); deleting any 2 consecutive bases within chr4:76,179,697-76,179,699 gives the same sequence; the c. name uses the placement nearest the transcript's 3' end. VCF-style (leftmost placement, unchanged base first): chr4-76179696-CTA-C. GRCh37 (hg19) VCF-style: chr4-77100849-CTA-C.
Other names: c.276-3788_276-3787del (NM_001204255.2); short protein forms I144fs.
Identifiers: ClinVar variation 4886530 (VCV004886530.2).